The following is an entry in ClinVar:

NM_001348768.2(HECW2):c.2792T>A (p.Phe931Tyr)

Gene: HECW2 (HECT, C2 and WW domain containing E3 ubiquitin protein ligase 2; minus strand). Cytogenetic location: 2q32.3.
Variant type: single nucleotide variant.
Coding change: c.2792T>A on transcript NM_001348768.2 (MANE Select); coding-DNA position 2792, T replaced by A.
Protein change: p.Phe931Tyr; replaces phenylalanine 931 with tyrosine.
Molecular consequence: missense variant.
Genome position (GRCh38, 1-based): chr2:196,306,510, A>T on the plus strand (T>A on the coding strand, the complement: HECW2 is on the minus strand). VCF-style: chr2-196306510-A-T. GRCh37 (hg19) VCF-style: chr2-197171234-A-T.
Other names: c.1724T>A, p.Phe575Tyr (NM_001304840.3); c.2792T>A, p.Phe931Tyr (NM_020760.4); short protein forms F575Y, F931Y.
Identifiers: ClinVar variation 3234868 (VCV003234868.1), dbSNP rs2468984275, ClinGen allele CA349961231.
Genomic context (GRCh38, chr2:196,306,510, plus strand): 5'-GCTGTTTTCCTTCACACTCTTTCAGATTCGCTACTCACAGGGTTAGAATGCAGCACGGTG[A>T]AGAACTCTGGGCTGATGAGGAACTTCACGGGGGGAGACTGTAACAGCAACGTGATCCTGG-3'
Protein context (NP_001335697.1, residues 921-941): PVKFLISPEF[Phe931Tyr]TVLHSNPSAY

ClinVar aggregate classification (germline): Uncertain significance (1 of 4 stars; one submission).

Conditions:
Neurodevelopmental disorder with hypotonia, seizures, and absent language (NDHSAL). Identifiers: MedGen C4310643, MONDO:0014995, OMIM 617268.

Submission:

Neuberg Centre For Genomic Medicine, NCGM
Classification: Uncertain significance for Neurodevelopmental disorder with hypotonia, seizures, and absent language. Review status: criteria provided, single submitter. Criteria: ACMG Guidelines, 2015. Collection method: clinical testing. Allele origin: germline. Inheritance: Autosomal dominant inheritance. Affected: yes.
Comment: The missense c.2792T>Ap.Phe931Tyr variant in HECW2 gene has not been reported previously as a pathogenic variant nor as a benign variant, to our knowledge. The p.Phe931Tyr variant is novel not in any individuals in gnomAD Exomes and 1000 Genomes. This variant has not been reported to the ClinVar database. The amino acid change p.Phe931Tyr in HECW2 is predicted as conserved by GERP++ and PhyloP across 100 vertebrates. The amino acid Phe at position 931 is changed to a Tyr changing protein sequence and it might alter its composition and physico-chemical properties. For these reasons, this variant has been classified as Variant of Uncertain Significance VUS.